The following is an entry in ClinVar:

NM_005120.3(MED12):c.2372-8C>A

Gene: MED12 (mediator complex subunit 12; plus strand). Cytogenetic location: Xq13.1.
Variant type: single nucleotide variant.
Coding change: c.2372-8C>A on transcript NM_005120.3 (MANE Select); 8 bases into the intron before coding-DNA position 2372, C replaced by A.
Molecular consequence: intron variant.
Genome position (GRCh38, 1-based): chrX:71,125,655, C>A. VCF-style: chrX-71125655-C-A. GRCh37 (hg19) VCF-style: chrX-70345505-C-A.
Identifiers: ClinVar variation 3030772 (VCV003030772.2), dbSNP rs1464348698, ClinGen allele CA641915419.

ClinVar aggregate classification (germline): Likely benign (0 of 4 stars; one submission).

Conditions:
MED12-Related Disorders. Also called: MED12-related condition; MED12-related disorder. Identifiers: MedGen CN381102.

Submission:

PreventionGenetics, part of Exact Sciences
Classification: Likely benign for MED12-related condition. Last evaluated: 2020-12-04. Review status: no assertion criteria provided. Collection method: clinical testing. Allele origin: germline.
Comment: This variant is classified as likely benign based on ACMG/AMP sequence variant interpretation guidelines (Richards et al. 2015 PMID: 25741868, with internal and published modifications).